The following is an entry in ClinVar:

ClinVar aggregate classification (germline): Conflicting classifications of pathogenicity. Review status: criteria provided, conflicting classifications (1 of 4 stars). 2 submissions from 2 submitters: Uncertain significance (1); Likely benign (1). Last evaluated 2023-11-27.

Conditions:
Joubert syndrome. Also called: Familial aplasia of the vermis; CEREBELLOPARENCHYMAL DISORDER IV; JOUBERT-BOLTSHAUSER SYNDROME. Identifiers: Orphanet 475, MedGen C5979921, MONDO:0018772.
Meckel-Gruber syndrome. Also called: Dysencephalia splachnocystica; DYSENCEPHALIA SPLANCHNOCYSTICA; GRUBER SYNDROME. Identifiers: Orphanet 564, MedGen C0265215, MONDO:0018921.
Nephronophthisis. Also called: Juvenile Nephronophthisis. Identifiers: Orphanet 655, MedGen C0687120, MONDO:0019005, HP:0000090.

Submissions (2):

Labcorp Genetics (formerly Invitae), Labcorp
Classification: Likely benign for Joubert syndrome; Meckel-Gruber syndrome; Nephronophthisis. Last evaluated: 2023-11-27. Review status: criteria provided, single submitter. Criteria: Invitae Variant Classification Sherloc (09022015). Collection method: clinical testing. Allele origin: germline.

GeneDx
Classification: Uncertain significance. Last evaluated: 2019-08-12. Review status: criteria provided, single submitter. Criteria: GeneDx Variant Classification Process June 2021. Collection method: clinical testing. Allele origin: germline. Affected: yes.
Comment: Not observed in large population cohorts (Lek et al., 2016); In silico analysis, which includes splice predictors and evolutionary conservation, supports a deleterious effect; Has not been previously published as pathogenic or benign to our knowledge

NM_025114.4(CEP290):c.3310-5C>A

Gene: CEP290 (centrosomal protein 290; minus strand). Cytogenetic location: 12q21.32.
Variant type: single nucleotide variant.
Coding change: c.3310-5C>A on transcript NM_025114.4 (MANE Select); 5 bases into the intron before coding-DNA position 3310, C replaced by A.
Molecular consequence: intron variant.
Genome position (GRCh38, 1-based): chr12:88,092,837, G>T on the plus strand (C>A on the coding strand, the complement: CEP290 is on the minus strand). VCF-style: chr12-88092837-G-T. GRCh37 (hg19) VCF-style: chr12-88486614-G-T.
Identifiers: ClinVar variation 1052890 (VCV001052890.11), dbSNP rs2137345196, ClinGen allele CA2499221894.